The following is an entry in ClinVar:

ClinVar aggregate classification (germline): Uncertain significance (1 of 4 stars; one submission).

Conditions:
Cryopyrin associated periodic syndrome (CAPS). Identifiers: Orphanet 208650, MedGen C2316212, MONDO:0016168.

gnomAD v4.1: 12 of 1,613,646 alleles (0.00074%); highest among the groups gnomAD compares: East Asian, 0.011%; no homozygotes.

Submission:

Labcorp Genetics (formerly Invitae), Labcorp
Classification: Uncertain significance for Cryopyrin associated periodic syndrome. Last evaluated: 2024-04-01. Review status: criteria provided, single submitter. Criteria: Invitae Variant Classification Sherloc (09022015). Collection method: clinical testing. Allele origin: germline.
Comment: This sequence change replaces arginine, which is basic and polar, with glutamine, which is neutral and polar, at codon 773 of the NLRP3 protein (p.Arg773Gln). This variant is not present in population databases (gnomAD no frequency). This variant has not been reported in the literature in individuals affected with NLRP3-related conditions. Advanced modeling of protein sequence and biophysical properties (such as structural, functional, and spatial information, amino acid conservation, physicochemical variation, residue mobility, and thermodynamic stability) performed at Invitae indicates that this missense variant is not expected to disrupt NLRP3 protein function with a negative predictive value of 95%. In summary, the available evidence is currently insufficient to determine the role of this variant in disease. Therefore, it has been classified as a Variant of Uncertain Significance.

NM_001243133.2(NLRP3):c.2312G>A (p.Arg771Gln)

Gene: NLRP3 (NLR family pyrin domain containing 3; plus strand). Cytogenetic location: 1q44.
Variant type: single nucleotide variant.
Coding change: c.2312G>A on transcript NM_001243133.2 (MANE Select); coding-DNA position 2312, G replaced by A.
Protein change: p.Arg771Gln; replaces arginine 771 with glutamine.
Molecular consequence: missense variant. On other transcripts: intron variant (2).
Genome position (GRCh38, 1-based): chr1:247,429,746, G>A. VCF-style: chr1-247429746-G-A. GRCh37 (hg19) VCF-style: chr1-247593048-G-A.
Other names: c.2312G>A, p.Arg771Gln (NM_001079821.3, NM_001127461.3); c.2318G>A, p.Arg773Gln (NM_004895.5); c.2150+4147G>A (NM_001127462.3, NM_183395.3); short protein forms R771Q, R773Q.
Identifiers: ClinVar variation 3700398 (VCV003700398.2).